The following is an entry in ClinVar:

NM_000264.5(PTCH1):c.1249C>G (p.Gln417Glu)

Gene: PTCH1 (patched 1; minus strand). Cytogenetic location: 9q22.32.
Variant type: single nucleotide variant.
Coding change: c.1249C>G on transcript NM_000264.5 (MANE Select); coding-DNA position 1249, C replaced by G.
Protein change: p.Gln417Glu; replaces glutamine 417 with glutamic acid.
Molecular consequence: missense variant. On other transcripts: non-coding transcript variant (1).
Genome position (GRCh38, 1-based): chr9:95,478,153, G>C on the plus strand (C>G on the coding strand, the complement: PTCH1 is on the minus strand). VCF-style: chr9-95478153-G-C. GRCh37 (hg19) VCF-style: chr9-98240435-G-C.
Other names: c.1051C>G, p.Gln351Glu (NM_001083602.3); c.1246C>G, p.Gln416Glu (NM_001083603.3); c.796C>G, p.Gln266Glu (NM_001083604.3, NM_001083605.3, NM_001083606.3 and 1 more transcripts); c.1249C>G, p.Gln417Glu (NM_001354918.2); short protein forms Q266E, Q351E, Q416E, Q417E.
Identifiers: ClinVar variation 3230934 (VCV003230934.1), dbSNP rs2118337530, ClinGen allele CA374118904.

ClinVar aggregate classification (germline): Uncertain significance (1 of 4 stars; one submission).

Conditions:
Hereditary cancer-predisposing syndrome. Also called: Neoplastic Syndromes, Hereditary; Tumor predisposition; Hereditary neoplastic syndrome; Hereditary Cancer Syndrome. Identifiers: Orphanet 140162, MedGen C0027672, MeSH D009386, MONDO:0015356.

Submission:

Ambry Genetics
Classification: Uncertain significance for Hereditary cancer-predisposing syndrome. Last evaluated: 2024-03-08. Review status: criteria provided, single submitter. Criteria: Ambry Variant Classification Scheme 2023. Collection method: clinical testing. Allele origin: germline.
Comment: The p.Q417E variant (also known as c.1249C>G), located in coding exon 9 of the PTCH1 gene, results from a C to G substitution at nucleotide position 1249. The glutamine at codon 417 is replaced by glutamic acid, an amino acid with highly similar properties. This amino acid position is conserved. In addition, the in silico prediction for this alteration is inconclusive. Based on the available evidence, the clinical significance of this alteration remains unclear.